The following is an entry in ClinVar:

NM_002473.6(MYH9):c.3630+5G>A

Gene: MYH9 (myosin heavy chain 9; minus strand). Cytogenetic location: 22q12.3.
Variant type: single nucleotide variant.
Coding change: c.3630+5G>A on transcript NM_002473.6 (MANE Select); 5 bases into the intron after coding-DNA position 3630, G replaced by A.
Molecular consequence: intron variant.
Genome position (GRCh38, 1-based): chr22:36,294,927, C>T on the plus strand (G>A on the coding strand, the complement: MYH9 is on the minus strand). VCF-style: chr22-36294927-C-T. GRCh37 (hg19) VCF-style: chr22-36690973-C-T.
Other names: c.3630+5G>A (NM_002473.5).
Identifiers: ClinVar variation 3021786 (VCV003021786.5), dbSNP rs751605603, ClinGen allele CA10209628.

ClinVar aggregate classification (germline): Uncertain significance. Review status: criteria provided, multiple submitters, no conflicts (2 of 4 stars). 3 submissions from 3 submitters: Uncertain significance (3). Last evaluated 2024-11-13.

Allele frequency attached by ClinVar (database versions not stated): gnomAD 0.00001; TOPMed 0.00001; ExAC 0.00004.
gnomAD v4.1: 19 of 1,612,120 alleles (0.0012%); highest among the groups gnomAD compares: African/African-American, 0.0067%; no homozygotes.

Submissions (3):

Labcorp Genetics (formerly Invitae), Labcorp
Classification: Uncertain significance. Last evaluated: 2024-11-13. Review status: criteria provided, single submitter. Criteria: Invitae Variant Classification Sherloc (09022015). Collection method: clinical testing. Allele origin: germline.
Comment: This sequence change falls in intron 27 of the MYH9 gene. It does not directly change the encoded amino acid sequence of the MYH9 protein. It affects a nucleotide within the consensus splice site. This variant is present in population databases (rs751605603, gnomAD 0.01%). This variant has not been reported in the literature in individuals affected with MYH9-related conditions. ClinVar contains an entry for this variant (Variation ID: 3021786). Variants that disrupt the consensus splice site are a relatively common cause of aberrant splicing (PMID: 17576681, 9536098). Algorithms developed to predict the effect of sequence changes on RNA splicing suggest that this variant may disrupt the consensus splice site. In summary, the available evidence is currently insufficient to determine the role of this variant in disease. Therefore, it has been classified as a Variant of Uncertain Significance.

Clinical Genetics Laboratory, Skane University Hospital Lund
Classification: Uncertain significance. Last evaluated: 2022-05-27. Review status: criteria provided, single submitter. Criteria: ACMG Guidelines, 2015. Collection method: clinical testing. Allele origin: germline. Affected: yes.

Blueprint Genetics
Classification: Uncertain significance. Last evaluated: 2019-11-28. Review status: criteria provided, single submitter. Criteria: ACMG Guidelines, 2015. Collection method: clinical testing. Allele origin: germline.

Literature cited by the submitters: PubMed 17576681 (cited by Labcorp Genetics (formerly Invitae), Labcorp); PubMed 9536098 (cited by Labcorp Genetics (formerly Invitae), Labcorp).